The following is an entry in ClinVar:

ClinVar aggregate classification (germline): Likely pathogenic (1 of 4 stars; one submission).

Conditions:
Microcephalic Primordial Dwarfism with immunodeficiency.

Submission:

Primary Immunodeficiency Research Lab, Ghent University
Classification: Likely pathogenic for Microcephalic Primordial Dwarfism with immunodeficiency. Last evaluated: 2024-12-19. Review status: criteria provided, single submitter. Criteria: ACMG Guidelines, 2015. Collection method: research. Allele origin: biparental. Inheritance: Autosomal recessive inheritance. Affected: yes. Observed: 1 variant allele.
Comment: Association of ATRIP deficiency with this phenotype was suggested in PMID: 23144622. The variant is present in GnomAD V4.1.0 with max MAF of 8.738e-7 (1 allele), but not in an homozygous state. In silico predictions suggested an effect on splicing which was confirmed both on RNA and protein level. Functional effect of this variant, impairing the replication stress response was confirmed in primary cells. Deleterious effects of this variant are confirmed in a model cellular system.

Literature cited by the submitters: DOI 10.1101/2024.07.22.24310550.

NM_130384.3(ATRIP):c.829+5G>T

Genes: ATRIP (ATR interacting protein; plus strand), ATRIP-TREX1 (ATRIP-TREX1 readthrough; plus strand). Cytogenetic location: 3p21.31.
Variant type: single nucleotide variant.
Coding change: c.829+5G>T on transcript NM_130384.3 (MANE Select); 5 bases into the intron after coding-DNA position 829, G replaced by T.
Molecular consequence: intron variant.
Genome position (GRCh38, 1-based): chr3:48,457,421, G>T. VCF-style: chr3-48457421-G-T. GRCh37 (hg19) VCF-style: chr3-48498821-G-T.
Other names: c.829+5G>T (NM_032166.4); c.448+5G>T (NM_001271022.2); c.550+5G>T (NM_001271023.2).
Identifiers: ClinVar variation 3393375 (VCV003393375.1).